The following is an entry in ClinVar:

NM_003482.4(KMT2D):c.487G>A (p.Ala163Thr)

Gene: KMT2D (lysine methyltransferase 2D; minus strand). Cytogenetic location: 12q13.12.
Variant type: single nucleotide variant.
Coding change: c.487G>A on transcript NM_003482.4 (MANE Select); coding-DNA position 487, G replaced by A.
Protein change: p.Ala163Thr; replaces alanine 163 with threonine.
Molecular consequence: missense variant.
Genome position (GRCh38, 1-based): chr12:49,054,330, C>T on the plus strand (G>A on the coding strand, the complement: KMT2D is on the minus strand). VCF-style: chr12-49054330-C-T. GRCh37 (hg19) VCF-style: chr12-49448113-C-T.
Other names: short protein forms A163T.
Identifiers: ClinVar variation 1878820 (VCV001878820.3), dbSNP rs1254142487, ClinGen allele CA384686594.

ClinVar aggregate classification (germline): Uncertain significance (1 of 4 stars; one submission).

Submission:

GeneDx
Classification: Uncertain significance. Last evaluated: 2023-09-19. Review status: criteria provided, single submitter. Criteria: GeneDx Variant Classification Process June 2021. Collection method: clinical testing. Allele origin: germline. Affected: yes.
Comment: In silico analysis supports that this missense variant has a deleterious effect on protein structure/function; Has not been previously reported as a pathogenic or benign germline variant to our knowledge; This variant is associated with the following publications: (PMID: 33200540)